The following is an entry in ClinVar:

NM_133448.3(TMEM132D):c.2634G>T (p.Leu878Phe)

Gene: TMEM132D (transmembrane protein 132D; minus strand). Cytogenetic location: 12q24.33.
Variant type: single nucleotide variant.
Coding change: c.2634G>T on transcript NM_133448.3 (MANE Select); coding-DNA position 2634, G replaced by T.
Protein change: p.Leu878Phe; replaces leucine 878 with phenylalanine.
Molecular consequence: missense variant.
Genome position (GRCh38, 1-based): chr12:129,074,541, C>A on the plus strand (G>T on the coding strand, the complement: TMEM132D is on the minus strand). VCF-style: chr12-129074541-C-A. GRCh37 (hg19) VCF-style: chr12-129559086-C-A.
Other names: short protein forms L878F.
Identifiers: ClinVar variation 3059245 (VCV003059245.2), dbSNP rs555131, ClinGen allele CA6875755.

ClinVar aggregate classification (germline): Benign (0 of 4 stars; one submission).

Conditions:
TMEM132D-related disorder. Also called: TMEM132D-related condition.

Allele frequency attached by ClinVar (database versions not stated): ExAC 0.03258; 1000 Genomes Project 30x 0.05356; 1000 Genomes Project 0.05371; gnomAD 0.05735; TOPMed 0.06070; ESP Exome Variant Server 0.06174.
gnomAD v4.1: 53,428 of 1,613,982 alleles (3.3%); highest among the groups gnomAD compares: African/African-American, 14%; 1,414 homozygotes.

Submission:

PreventionGenetics, part of Exact Sciences
Classification: Benign for TMEM132D-related condition. Last evaluated: 2019-11-25. Review status: no assertion criteria provided. Collection method: clinical testing. Allele origin: germline.
Comment: This variant is classified as benign based on ACMG/AMP sequence variant interpretation guidelines (Richards et al. 2015 PMID: 25741868, with internal and published modifications).